The following is an entry in ClinVar:

ClinVar aggregate classification (germline): Uncertain significance (1 of 4 stars; one submission).

Allele frequency attached by ClinVar (database versions not stated): gnomAD exomes below 0.00001; ExAC 0.00002.
gnomAD v4.1: 1 of 1,590,044 alleles (0.000063%); highest among the groups gnomAD compares: Non-Finnish European, 0.000086%; no homozygotes.

Submission:

Labcorp Genetics (formerly Invitae), Labcorp
Classification: Uncertain significance. Last evaluated: 2025-04-07. Review status: criteria provided, single submitter. Criteria: Invitae Variant Classification Sherloc (09022015). Collection method: clinical testing. Allele origin: germline.
Comment: This sequence change replaces leucine, which is neutral and non-polar, with arginine, which is basic and polar, at codon 194 of the NEUROG3 protein (p.Leu194Arg). This variant is present in population databases (rs773447910, gnomAD 0.001%). This variant has not been reported in the literature in individuals affected with NEUROG3-related conditions. ClinVar contains an entry for this variant (Variation ID: 2706478). An algorithm developed to predict the effect of missense changes on protein structure and function (PolyPhen-2) suggests that this variant is likely to be tolerated. In summary, the available evidence is currently insufficient to determine the role of this variant in disease. Therefore, it has been classified as a Variant of Uncertain Significance.

NM_020999.4(NEUROG3):c.581T>G (p.Leu194Arg)

Gene: NEUROG3 (neurogenin 3; minus strand). Cytogenetic location: 10q22.1.
Variant type: single nucleotide variant.
Coding change: c.581T>G on transcript NM_020999.4 (MANE Select); coding-DNA position 581, T replaced by G.
Protein change: p.Leu194Arg; replaces leucine 194 with arginine.
Molecular consequence: missense variant.
Genome position (GRCh38, 1-based): chr10:69,572,463, A>C on the plus strand (T>G on the coding strand, the complement: NEUROG3 is on the minus strand). VCF-style: chr10-69572463-A-C. GRCh37 (hg19) VCF-style: chr10-71332219-A-C.
Other names: short protein forms L194R.
Identifiers: ClinVar variation 2706478 (VCV002706478.3), dbSNP rs773447910, ClinGen allele CA5533661.